The following is an entry in ClinVar:

NM_144666.3(DNHD1):c.1252C>T (p.His418Tyr)

Gene: DNHD1 (dynein heavy chain domain 1; plus strand). Cytogenetic location: 11p15.4.
Variant type: single nucleotide variant.
Coding change: c.1252C>T on transcript NM_144666.3 (MANE Select); coding-DNA position 1252, C replaced by T.
Protein change: p.His418Tyr; replaces histidine 418 with tyrosine.
Molecular consequence: missense variant.
Genome position (GRCh38, 1-based): chr11:6,511,289, C>T. VCF-style: chr11-6511289-C-T. GRCh37 (hg19) VCF-style: chr11-6532519-C-T.
Other names: c.1252C>T, p.His418Tyr (NM_173589.4); short protein forms H418Y.
Identifiers: ClinVar variation 1272652 (VCV001272652.4), dbSNP rs4758423, ClinGen allele CA5855538.
Genomic context (GRCh38, chr11:6,511,289, plus strand): 5'-AGGATTGGGATGCCAGCTCTGACCAGCTTAGTCCTTGATTCTAGGCTTCTGCAGGAGCTA[C>T]ACTCTGTGTCCTGGCTACCCCAGGAACTGGATCGGTGCTATGAGCTGCTGGACCTGCAGA-3'
Protein context (NP_653267.2, residues 408-428): LHISRLLQEL[His418Tyr]SVSWLPQELD

ClinVar aggregate classification (germline): Benign. Review status: criteria provided, multiple submitters, no conflicts (2 of 4 stars). 3 submissions from 3 submitters: Benign (2). 1 of the submissions does not count toward it. Last evaluated 2019-02-27.

Conditions:
DNHD1-related disorder. Also called: DNHD1-related condition.

Allele frequency attached by ClinVar (database versions not stated): 1000 Genomes Project 0.22045; 1000 Genomes Project 30x 0.22408; TOPMed 0.26876; gnomAD 0.27155 and 0.27376; ESP Exome Variant Server 0.27436; ExAC 0.29289; gnomAD exomes 0.29409 and 0.31231.
gnomAD v4.1: 496,109 of 1,613,994 alleles (31%); highest among the groups gnomAD compares: Admixed American, 36%; 79,276 homozygotes.

Submissions (3):

GeneDx
Classification: Benign. Last evaluated: 2019-02-27. Review status: criteria provided, single submitter. Criteria: GeneDx Variant Classification Process June 2021. Collection method: clinical testing. Allele origin: germline. Affected: yes.

Breakthrough Genomics
Classification: Benign. Review status: criteria provided, single submitter. Criteria: ACMG Guidelines, 2015. Collection method: not provided. Allele origin: germline. Inheritance: Autosomal recessive inheritance. Affected: yes.

PreventionGenetics, part of Exact Sciences
Classification: Benign for DNHD1-related condition. Last evaluated: 2019-10-29. Review status: no assertion criteria provided. Collection method: clinical testing. Allele origin: germline. Not counted in ClinVar's aggregate classification.
Comment: This variant is classified as benign based on ACMG/AMP sequence variant interpretation guidelines (Richards et al. 2015 PMID: 25741868, with internal and published modifications).